The following is an entry in ClinVar:

ClinVar aggregate classification (germline): Uncertain significance (1 of 4 stars; one submission).

Conditions:
Inborn genetic diseases. Identifiers: MedGen C0950123, MeSH D030342.

Submission:

Ambry Genetics
Classification: Uncertain significance for Inborn genetic diseases. Last evaluated: 2025-11-11. Review status: criteria provided, single submitter. Criteria: Ambry Variant Classification Scheme 2023. Collection method: clinical testing. Allele origin: germline.
Comment: The p.K422R variant (also known as c.1265A>G), located in coding exon 8 of the MECOM gene, results from an A to G substitution at nucleotide position 1265. The lysine at codon 422 is replaced by arginine, an amino acid with highly similar properties. This amino acid position is conserved. In addition, the in silico prediction for this alteration is inconclusive. Based on the available evidence, the clinical significance of this variant remains unclear.

NM_004991.4(MECOM):c.1265A>G (p.Lys422Arg)

Gene: MECOM (MDS1 and EVI1 complex locus; minus strand). Cytogenetic location: 3q26.2.
Variant type: single nucleotide variant.
Coding change: c.1265A>G on transcript NM_004991.4 (MANE Select); coding-DNA position 1265, A replaced by G.
Protein change: p.Lys422Arg; replaces lysine 422 with arginine.
Molecular consequence: missense variant. On other transcripts: intron variant (2).
Genome position (GRCh38, 1-based): chr3:169,116,607, T>C on the plus strand (A>G on the coding strand, the complement: MECOM is on the minus strand). VCF-style: chr3-169116607-T-C. GRCh37 (hg19) VCF-style: chr3-168834395-T-C.
Other names: c.896A>G, p.Lys299Arg (NM_001105077.4); c.701A>G, p.Lys234Arg (NM_001105078.4, NM_001164000.2, NM_001205194.2 and 4 more transcripts); c.704A>G, p.Lys235Arg (NM_001163999.2, NM_001366467.2, NM_001366468.2 and 1 more transcripts); c.1265A>G, p.Lys422Arg (NM_001366466.2); c.1133-840A>G (NM_001366473.2); c.569-840A>G (NM_001366474.2); short protein forms K422R, K235R, K299R, K234R.
Identifiers: ClinVar variation 4624691 (VCV004624691.1).